The following is an entry in ClinVar:

NM_000051.4(ATM):c.6636C>T (p.Leu2212=)

Genes: ATM (ATM serine/threonine kinase; plus strand), C11orf65 (chromosome 11 open reading frame 65; minus strand). Cytogenetic location: 11q22.3.
Variant type: single nucleotide variant.
Coding change: c.6636C>T on transcript NM_000051.4 (MANE Select); coding-DNA position 6636, C replaced by T.
Protein change: p.Leu2212=; no amino-acid change (leucine 2212 retained).
Molecular consequence: synonymous variant. On other transcripts: intron variant (2).
Genome position (GRCh38, 1-based): chr11:108,325,373, C>T. VCF-style: chr11-108325373-C-T. GRCh37 (hg19) VCF-style: chr11-108196100-C-T.
Other names: c.6636C>T, p.Leu2212= (NM_001351834.2); c.641-16302G>A (NM_001330368.2); c.*38+9847G>A (NM_001351110.2).
Identifiers: ClinVar variation 232114 (VCV000232114.59), dbSNP rs876659563, ClinGen allele CA10579228.

ClinVar aggregate classification (germline): Benign/Likely benign. Review status: criteria provided, multiple submitters, no conflicts (2 of 4 stars). 8 submissions from 8 submitters: Benign (1); Likely benign (6). 1 of the submissions does not count toward it. Last evaluated 2025-12-19.

Conditions:
ATM-related disorder. Also called: ATM-related disorders; ATM-related condition.
Breast and/or ovarian cancer. Identifiers: MedGen CN221562.
Hereditary cancer-predisposing syndrome. Also called: Neoplastic Syndromes, Hereditary; Hereditary neoplastic syndrome; Tumor predisposition; Hereditary Cancer Syndrome. Identifiers: Orphanet 140162, MedGen C0027672, MeSH D009386, MONDO:0015356.
Ataxia-telangiectasia syndrome (AT). Also called: Ataxia telangiectasia (A-T); Cerebello-oculocutaneous telangiectasia; Immunodeficiency with ataxia telangiectasia; LOUIS-BAR SYNDROME; AT, COMPLEMENTATION GROUP C; ATAXIA-TELANGIECTASIA, FRESNO VARIANT. Identifiers: Orphanet 100, MedGen C0004135, MONDO:0008840, OMIM 208900.
Familial cancer of breast. Also called: hereditary breast carcinoma; Hereditary breast cancer; BREAST CANCER, FAMILIAL. Identifiers: Orphanet 227535, MedGen C0346153, MONDO:0016419, OMIM 114480. Disease mechanism: loss of function.

Allele frequency attached by ClinVar (database versions not stated): gnomAD 0.00003.
gnomAD v4.1: 6 of 1,612,322 alleles (0.00037%); highest among the groups gnomAD compares: African/African-American, 0.0054%; no homozygotes.

Submissions (8):

Labcorp Genetics (formerly Invitae), Labcorp
Classification: Likely benign for Ataxia-telangiectasia syndrome. Last evaluated: 2025-12-19. Review status: criteria provided, single submitter. Criteria: Invitae Variant Classification Sherloc (09022015). Collection method: clinical testing. Allele origin: germline.

Myriad Genetics, Inc.
Classification: Benign for Familial cancer of breast. Last evaluated: 2024-06-07. Review status: criteria provided, single submitter. Criteria: Myriad Autosomal Dominant, Autosomal Recessive and X-Linked Classification Criteria (2023). Collection method: clinical testing. Allele origin: unknown.
Comment: This variant is considered benign. This variant is a silent/synonymous amino acid change and it is not expected to impact splicing.

Blueprint Genetics
Classification: Likely benign. Last evaluated: 2022-08-09. Review status: criteria provided, single submitter. Criteria: ACMG Guidelines, 2015. Collection method: clinical testing. Allele origin: germline.

CHEO Genetics Diagnostic Laboratory, Children's Hospital of Eastern Ontario
Classification: Likely benign for Breast and/or ovarian cancer. Last evaluated: 2019-09-26. Review status: criteria provided, single submitter. Criteria: ACMG Guidelines, 2015. Collection method: clinical testing. Allele origin: germline.

Color Diagnostics, LLC DBA Color Health
Classification: Likely benign for Hereditary cancer-predisposing syndrome. Last evaluated: 2019-05-14. Review status: criteria provided, single submitter. Criteria: ACMG Guidelines, 2015. Collection method: clinical testing. Allele origin: germline.

GeneDx
Classification: Likely benign. Last evaluated: 2016-08-09. Review status: criteria provided, single submitter. Criteria: GeneDx Variant Classification (06012015). Collection method: clinical testing. Allele origin: germline. Affected: yes.
Comment: This variant is considered likely benign or benign based on one or more of the following criteria: it is a conservative change, it occurs at a poorly conserved position in the protein, it is predicted to be benign by multiple in silico algorithms, and/or has population frequency not consistent with disease.

Ambry Genetics
Classification: Likely benign for Hereditary cancer-predisposing syndrome. Last evaluated: 2015-05-27. Review status: criteria provided, single submitter. Criteria: Ambry Variant Classification Scheme 2023. Collection method: clinical testing. Allele origin: germline.

PreventionGenetics, part of Exact Sciences
Classification: Likely benign for ATM-related condition. Last evaluated: 2019-03-27. Review status: no assertion criteria provided. Collection method: clinical testing. Allele origin: germline. Not counted in ClinVar's aggregate classification.
Comment: This variant is classified as likely benign based on ACMG/AMP sequence variant interpretation guidelines (Richards et al. 2015 PMID: 25741868, with internal and published modifications).